The following is an entry in ClinVar:

ClinVar aggregate classification (germline): Uncertain significance. Review status: criteria provided, multiple submitters, no conflicts (2 of 4 stars). 2 submissions from 2 submitters: Uncertain significance (2). Last evaluated 2024-12-07.

Conditions:
Tumor predisposition syndrome 3 (TPDS3). Also called: Melanoma, cutaneous malignant, susceptibility to, 10; LONG TELOMERE SYNDROME, POT1-RELATED; POT1 Tumor Predisposition; Glioma susceptibility 9. Identifiers: Orphanet 618, MedGen C4014476, MONDO:0014368, OMIM 615848.
Hereditary cancer-predisposing syndrome. Also called: Tumor predisposition; Neoplastic Syndromes, Hereditary; Hereditary Cancer Syndrome; Hereditary neoplastic syndrome. Identifiers: Orphanet 140162, MedGen C0027672, MeSH D009386, MONDO:0015356.

Submissions (2):

Ambry Genetics
Classification: Uncertain significance for Hereditary cancer-predisposing syndrome. Last evaluated: 2024-12-07. Review status: criteria provided, single submitter. Criteria: Ambry Variant Classification Scheme 2023. Collection method: clinical testing. Allele origin: germline.
Comment: The p.D304E variant (also known as c.912T>A), located in coding exon 7 of the POT1 gene, results from a T to A substitution at nucleotide position 912. The aspartic acid at codon 304 is replaced by glutamic acid, an amino acid with highly similar properties. This amino acid position is conserved. In addition, this alteration is predicted to be tolerated by in silico analysis. Based on the available evidence, the clinical significance of this variant remains unclear.

Labcorp Genetics (formerly Invitae), Labcorp
Classification: Uncertain significance for Tumor predisposition syndrome 3. Last evaluated: 2020-12-02. Review status: criteria provided, single submitter. Criteria: Invitae Variant Classification Sherloc (09022015). Collection method: clinical testing. Allele origin: germline.
Comment: This variant is not present in population databases (ExAC no frequency). This sequence change replaces aspartic acid with glutamic acid at codon 304 of the POT1 protein (p.Asp304Glu). The aspartic acid residue is moderately conserved and there is a small physicochemical difference between aspartic acid and glutamic acid. This variant has not been reported in the literature in individuals with POT1-related conditions. In summary, the available evidence is currently insufficient to determine the role of this variant in disease. Therefore, it has been classified as a Variant of Uncertain Significance. Algorithms developed to predict the effect of missense changes on protein structure and function output the following: SIFT: "Tolerated"; PolyPhen-2: "Benign"; Align-GVGD: "Class C0". The glutamic acid amino acid residue is found in multiple mammalian species, suggesting that this missense change does not adversely affect protein function. These predictions have not been confirmed by published functional studies and their clinical significance is uncertain.

NM_015450.3(POT1):c.912T>A (p.Asp304Glu)

Gene: POT1 (protection of telomeres 1; minus strand). Cytogenetic location: 7q31.33.
Variant type: single nucleotide variant.
Coding change: c.912T>A on transcript NM_015450.3 (MANE Select); coding-DNA position 912, T replaced by A.
Protein change: p.Asp304Glu; replaces aspartic acid 304 with glutamic acid.
Molecular consequence: missense variant. On other transcripts: non-coding transcript variant (3).
Genome position (GRCh38, 1-based): chr7:124,851,909, A>T on the plus strand (T>A on the coding strand, the complement: POT1 is on the minus strand). VCF-style: chr7-124851909-A-T. GRCh37 (hg19) VCF-style: chr7-124491963-A-T.
Other names: c.519T>A, p.Asp173Glu (NM_001042594.2); c.912T>A (NM_015450.2); short protein forms D304E, D173E.
Identifiers: ClinVar variation 1490087 (VCV001490087.9), dbSNP rs2116500951, ClinGen allele CA369054378.
Genomic context (GRCh38, chr7:124,851,909, plus strand): 5'-TCAATGTTAAAGATTATCCTTACTTGGAAAGCTGTCGTCAGGTTCTGATTGACAGATAAC[A>T]TCTGAATGCTGATTGGCTGTCAAATTTGCAGATTCTAAATCCCTATAATTGAAAGAATAC-3'
Protein context (NP_056265.2, residues 294-314): SANLTANQHS[Asp304Glu]VICQSEPDDS